The following is an entry in ClinVar:

ClinVar aggregate classification (germline): Pathogenic. Review status: reviewed by expert panel (3 of 4 stars). 3 submissions from 3 submitters: Pathogenic (1). 2 of the submissions do not count toward it. Last evaluated 2017-12-15.

Conditions:
Breast-ovarian cancer, familial, susceptibility to, 1 (BROVCA1). Also called: BRCA1 Hereditary Breast and Ovarian Cancer; OVARIAN CANCER, SUSCEPTIBILITY TO. Identifiers: Orphanet 145, MedGen C2676676, MONDO:0011450, OMIM 604370. Disease mechanism: loss of function.

Submissions (3):

Evidence-based Network for the Interpretation of Germline Mutant Alleles (ENIGMA)
Classification: Pathogenic for Breast-ovarian cancer, familial, susceptibility to, 1. Last evaluated: 2017-12-15. Review status: reviewed by expert panel. Criteria: ENIGMA BRCA1/2 Classification Criteria (2017-06-29). Collection method: curation. Allele origin: germline. Study: ENIGMA.
Comment: Variant allele predicted to encode a truncated non-functional protein.

Myriad Genetics, Inc.
Classification: Pathogenic for Breast-ovarian cancer, familial, susceptibility to, 1. Last evaluated: 2024-07-23. Review status: criteria provided, single submitter. Criteria: Myriad Autosomal Dominant, Autosomal Recessive and X-Linked Classification Criteria (2023). Collection method: clinical testing. Allele origin: unknown. Not counted in ClinVar's aggregate classification.
Comment: This variant is considered pathogenic. This variant creates a frameshift predicted to result in premature protein truncation.

Quest Diagnostics Nichols Institute San Juan Capistrano
Classification: Pathogenic for Breast-ovarian cancer, familial, susceptibility to, 1. Last evaluated: 2015-04-02. Review status: criteria provided, single submitter. Criteria: Quest Diagnostics criteria. Collection method: clinical testing. Allele origin: germline. Inheritance: Autosomal dominant inheritance. Not counted in ClinVar's aggregate classification.

Literature cited by the submitters: PubMed 26295337 (cited by Quest Diagnostics Nichols Institute San Juan Capistrano).

NM_007294.4(BRCA1):c.4389_4392dup (p.Ile1465fs)

Gene: BRCA1 (BRCA1 DNA repair associated; minus strand). Cytogenetic location: 17q21.31.
Variant type: Duplication.
Coding change: c.4389_4392dup on transcript NM_007294.4 (MANE Select); coding-DNA positions 4389 to 4392, 4 bases duplicated (CCCT; older notation c.4389_4392dupCCCT).
Protein change: p.Ile1465fs; shifts the reading frame from isoleucine 1465.
Molecular consequence: frameshift variant. On other transcripts: non-coding transcript variant (1).
Genome position (GRCh38, 1-based): chr17:43,076,580-43,076,583, AGGG duplicated on the plus strand (CCCT on the coding strand, the reverse complement: BRCA1 is on the minus strand). VCF-style (leftmost placement, unchanged base first): chr17-43076579-T-TAGGG. GRCh37 (hg19) VCF-style: chr17-41228596-T-TAGGG.
Other names: c.4389_4392dupCCCT (NM_007294.3); c.4176_4179dup, p.Ile1394Profs (NM_001407571.1, NM_001407894.1, NM_001407895.1 and 12 more transcripts); c.4455_4458dup, p.Ile1487Profs (NM_001407581.1, NM_001407582.1); c.4452_4455dup, p.Ile1486Profs (NM_001407583.1, NM_001407585.1, NM_001407587.1); c.4449_4452dup, p.Ile1485Profs (NM_001407590.1, NM_001407591.1); c.4389_4392dup, p.Ile1465Profs (NM_001407593.1, NM_001407594.1, NM_001407596.1 and 8 more transcripts); c.4386_4389dup, p.Ile1464Profs (NM_001407610.1, NM_001407611.1, NM_001407612.1 and 17 more transcripts); c.4383_4386dup, p.Ile1463Profs (NM_001407627.1, NM_001407628.1, NM_001407629.1 and 14 more transcripts); and 72 more; short protein forms I1418fs, I361fs, I1486fs, I1465fs.
Identifiers: ClinVar variation 252380 (VCV000252380.4), dbSNP rs879255282, ClinGen allele CA10585914.